The following is an entry in ClinVar:

NM_001171.6(ABCC6):c.3911G>A (p.Gly1304Glu)

Gene: ABCC6 (ATP binding cassette subfamily C member 6; minus strand). Cytogenetic location: 16p13.11.
Variant type: single nucleotide variant.
Coding change: c.3911G>A on transcript NM_001171.6 (MANE Select); coding-DNA position 3911, G replaced by A.
Protein change: p.Gly1304Glu; replaces glycine 1304 with glutamic acid.
Molecular consequence: missense variant. On other transcripts: non-coding transcript variant (1).
Genome position (GRCh38, 1-based): chr16:16,155,003, C>T on the plus strand (G>A on the coding strand, the complement: ABCC6 is on the minus strand). VCF-style: chr16-16155003-C-T. GRCh37 (hg19) VCF-style: chr16-16248860-C-T.
Other names: c.3569G>A, p.Gly1190Glu (NM_001351800.1); short protein forms G1190E, G1304E.
Identifiers: ClinVar variation 2009930 (VCV002009930.4), dbSNP rs2510951707, ClinGen allele CA394876081.
Genomic context (GRCh38, chr16:16,155,003, plus strand): 5'-CAGATCCCACCCTCAGCTGCCTCCTGGAGCCGCAGCAGCCCACTGGCCAGGGAGGACTTC[C>T]CTGCCCCGGTCCTGCCAACGATGCCCACCTGCCCGGGGTTGGGAGGAAAGGCCTGCTCTG-3'
Protein context (NP_001162.5, residues 1294-1314): KVGIVGRTGA[Gly1304Glu]KSSLASGLLR

ClinVar aggregate classification (germline): Uncertain significance (1 of 4 stars; one submission).

Submission:

Labcorp Genetics (formerly Invitae), Labcorp
Classification: Uncertain significance. Last evaluated: 2022-06-23. Review status: criteria provided, single submitter. Criteria: Invitae Variant Classification Sherloc (09022015). Collection method: clinical testing. Allele origin: germline.
Comment: This variant is not present in population databases (gnomAD no frequency). In summary, the available evidence is currently insufficient to determine the role of this variant in disease. Therefore, it has been classified as a Variant of Uncertain Significance. Advanced modeling of protein sequence and biophysical properties (such as structural, functional, and spatial information, amino acid conservation, physicochemical variation, residue mobility, and thermodynamic stability) performed at Invitae indicates that this missense variant is expected to disrupt ABCC6 protein function. This variant has not been reported in the literature in individuals affected with ABCC6-related conditions. This sequence change replaces glycine, which is neutral and non-polar, with glutamic acid, which is acidic and polar, at codon 1304 of the ABCC6 protein (p.Gly1304Glu).